The following is an entry in ClinVar:

ClinVar aggregate classification (germline): Uncertain significance (1 of 4 stars; one submission).

Conditions:
Glanzmann thrombasthenia. Also called: BLEEDING DISORDER, PLATELET-TYPE, 2; THROMBASTHENIA OF GLANZMANN AND NAEGELI; Thrombasthenia; PLATELET GLYCOPROTEIN IIb-IIIa DEFICIENCY; Glanzmann's thrombasthenia. Identifiers: Orphanet 849, MedGen C0040015, MONDO:0100326.

Allele frequency attached by ClinVar (database versions not stated): ESP Exome Variant Server 0.00008.

Submission:

Labcorp Genetics (formerly Invitae), Labcorp
Classification: Uncertain significance for Glanzmann thrombasthenia. Last evaluated: 2025-07-14. Review status: criteria provided, single submitter. Criteria: Invitae Variant Classification Sherloc (09022015). Collection method: clinical testing. Allele origin: germline.
Comment: This sequence change replaces glutamine, which is neutral and polar, with histidine, which is basic and polar, at codon 856 of the ITGA2B protein (p.Gln856His). This variant is not present in population databases (gnomAD no frequency). This variant has not been reported in the literature in individuals affected with ITGA2B-related conditions. ClinVar contains an entry for this variant (Variation ID: 2173167). Invitae Evidence Modeling of protein sequence and biophysical properties (such as structural, functional, and spatial information, amino acid conservation, physicochemical variation, residue mobility, and thermodynamic stability) has been performed for this missense variant. However, the output from this modeling did not meet the statistical confidence thresholds required to predict the impact of this variant on ITGA2B protein function. In summary, the available evidence is currently insufficient to determine the role of this variant in disease. Therefore, it has been classified as a Variant of Uncertain Significance.

NM_000419.5(ITGA2B):c.2568G>T (p.Gln856His)

Gene: ITGA2B (integrin subunit alpha 2b; minus strand). Cytogenetic location: 17q21.31.
Variant type: single nucleotide variant.
Coding change: c.2568G>T on transcript NM_000419.5 (MANE Select); coding-DNA position 2568, G replaced by T.
Protein change: p.Gln856His; replaces glutamine 856 with histidine.
Molecular consequence: missense variant.
Genome position (GRCh38, 1-based): chr17:44,375,866, C>A on the plus strand (G>T on the coding strand, the complement: ITGA2B is on the minus strand). VCF-style: chr17-44375866-C-A. GRCh37 (hg19) VCF-style: chr17-42453234-C-A.
Other names: short protein forms Q856H.
Identifiers: ClinVar variation 2173167 (VCV002173167.4), dbSNP rs377412121, ClinGen allele CA290947163.